The following is an entry in ClinVar:

NM_004456.5(EZH2):c.1983A>G (p.Lys661=)

Gene: EZH2 (enhancer of zeste 2 polycomb repressive complex 2 subunit; minus strand). Cytogenetic location: 7q36.1.
Variant type: single nucleotide variant.
Coding change: c.1983A>G on transcript NM_004456.5 (MANE Select); coding-DNA position 1983, A replaced by G.
Protein change: p.Lys661=; no amino-acid change (lysine 661 retained).
Molecular consequence: synonymous variant.
Genome position (GRCh38, 1-based): chr7:148,810,379, T>C on the plus strand (A>G on the coding strand, the complement: EZH2 is on the minus strand). VCF-style: chr7-148810379-T-C. GRCh37 (hg19) VCF-style: chr7-148507471-T-C.
Other names: c.1968A>G, p.Lys656= (NM_001203247.2); c.1941A>G, p.Lys647= (NM_001203248.2); c.1815A>G, p.Lys605= (NM_001203249.2); c.1851A>G, p.Lys617= (NM_152998.3).
Identifiers: ClinVar variation 698380 (VCV000698380.51), dbSNP rs201616806, ClinGen allele CA4547738.
Genomic context (GRCh38, chr7:148,810,379, plus strand): 5'-GCTCTGAAACATACCATTGTTCAAGTTGAACAGAAAGCTGCACATGTATTTATCATACAC[T>C]TTCCCTCTTCTGTCAGCTTCATCTTGAGAAATAATCTAAAAAGAAAGACACAGGAGAAAA-3'
Protein context (NP_004447.2, residues 651-671): ISQDEADRRG[Lys661=]VYDKYMCSFL

ClinVar aggregate classification (germline): Benign/Likely benign. Review status: criteria provided, multiple submitters, no conflicts (2 of 4 stars). 4 submissions from 4 submitters: Benign (1); Likely benign (3). Last evaluated 2025-12-02.

Conditions:
Weaver syndrome (WVS). Also called: Weaver Smith syndrome; Overgrowth syndrome with accelerated skeletal maturation, unusual facies, and camptodactyly. Identifiers: Orphanet 3447, MedGen C0265210, MONDO:0010193, OMIM 277590.

Allele frequency attached by ClinVar (database versions not stated): gnomAD exomes 0.00018 and 0.00023; ExAC 0.00019; gnomAD 0.00021 and 0.00024; TOPMed 0.00022.
gnomAD v4.1: 300 of 1,611,190 alleles (0.019%); highest among the groups gnomAD compares: Non-Finnish European, 0.021%; 1 homozygote.

Submissions (5):

Labcorp Genetics (formerly Invitae), Labcorp
Classification: Likely benign for Weaver syndrome. Last evaluated: 2025-12-02. Review status: criteria provided, single submitter. Criteria: Invitae Variant Classification Sherloc (09022015). Collection method: clinical testing. Allele origin: germline.

Blueprint Genetics
Classification: Likely benign. Last evaluated: 2024-10-02. Review status: criteria provided, single submitter. Criteria: ACMG Guidelines, 2015. Collection method: clinical testing. Allele origin: germline.

CeGaT Center for Human Genetics Tuebingen
Classification: Likely benign. Last evaluated: 2024-04-01. Review status: criteria provided, single submitter. Criteria: CeGaT Center For Human Genetics Tuebingen Variant Classification Criteria Version 2. Collection method: clinical testing. Allele origin: germline. Affected: yes. Observed: 7 variant alleles.
Comment: EZH2: BP4, BP7

GeneDx
Classification: Benign. Last evaluated: 2015-07-30. Review status: criteria provided, single submitter. Criteria: GeneDx Variant Classification Process June 2021. Collection method: clinical testing. Allele origin: germline. Affected: yes.

Dr. Peter K. Rogan Lab, Western University
No classification provided (evidence only). Condition: Ovarian serous cystadenocarcinoma. Review status: no classification provided. Collection method: in vitro. Allele origin: not applicable. Functional consequence: retained intron. Not counted in ClinVar's aggregate classification.